The following is an entry in ClinVar:

NM_138576.4(BCL11B):c.488A>G (p.His163Arg)

Gene: BCL11B (BCL11 transcription factor B; minus strand). Cytogenetic location: 14q32.2.
Variant type: single nucleotide variant.
Coding change: c.488A>G on transcript NM_138576.4 (MANE Select); coding-DNA position 488, A replaced by G.
Protein change: p.His163Arg; replaces histidine 163 with arginine.
Molecular consequence: missense variant. On other transcripts: intron variant (2).
Genome position (GRCh38, 1-based): chr14:99,231,497, T>C on the plus strand (A>G on the coding strand, the complement: BCL11B is on the minus strand). VCF-style: chr14-99231497-T-C. GRCh37 (hg19) VCF-style: chr14-99697834-T-C.
Other names: c.485A>G, p.His162Arg (NM_001282237.2); c.424+25974A>G (NM_001282238.2); c.427+25974A>G (NM_022898.3); short protein forms H163R, H162R.
Identifiers: ClinVar variation 2229416 (VCV002229416.2), dbSNP rs2503834514, ClinGen allele CA390937416.
Genomic context (GRCh38, chr14:99,231,497, plus strand): 5'-AGGGGGAGGCAGGGCGGGAGAGCGCCCAGGGCACGCAGAGGTGAAGTGATCACGGATGAG[T>C]GAGGGTGGGAGGAGGCAGCTATGGGGGCCACCGCTGGCAGCTGGGCAGGCCTGCACGGCC-3'
Protein context (NP_612808.1, residues 153-173): VAPIAASSHP[His163Arg]SSVITSPLRA

ClinVar aggregate classification (germline): Uncertain significance (1 of 4 stars; one submission).

Conditions:
Inborn genetic diseases. Identifiers: MedGen C0950123, MeSH D030342.

Allele frequency attached by ClinVar (database versions not stated): gnomAD exomes below 0.00001.

Submission:

Ambry Genetics
Classification: Uncertain significance for Inborn genetic diseases. Last evaluated: 2021-02-24. Review status: criteria provided, single submitter. Criteria: Ambry Variant Classification Scheme 2023. Collection method: clinical testing. Allele origin: germline.
Comment: The c.488A>G (p.H163R) alteration is located in exon 3 (coding exon 3) of the BCL11B gene. This alteration results from a A to G substitution at nucleotide position 488, causing the histidine (H) at amino acid position 163 to be replaced by an arginine (R). The p.H163R alteration is predicted to be tolerated by in silico analysis. Based on insufficient or conflicting evidence, the clinical significance of this alteration remains unclear.